The following is an entry in ClinVar:

ClinVar aggregate classification (germline): Uncertain significance. Review status: criteria provided, multiple submitters, no conflicts (2 of 4 stars). 2 submissions from 2 submitters: Uncertain significance (2). Last evaluated 2025-02-27.

Conditions:
Branched-chain keto acid dehydrogenase kinase deficiency (BCKDKD). Also called: BCKDK DEFICIENCY. Identifiers: Orphanet 308410, MedGen C3554078, MONDO:0013970, OMIM 614923.

Allele frequency attached by ClinVar (database versions not stated): gnomAD exomes 0.00004 and 0.00005; ExAC 0.00005; gnomAD 0.00007 and 0.00011; TOPMed 0.00015; ESP Exome Variant Server 0.00031.
gnomAD v4.1: 83 of 1,613,974 alleles (0.0051%); highest among the groups gnomAD compares: Non-Finnish European, 0.0057%; no homozygotes.

Submissions (2):

Labcorp Genetics (formerly Invitae), Labcorp
Classification: Uncertain significance for Branched-chain keto acid dehydrogenase kinase deficiency. Last evaluated: 2025-02-27. Review status: criteria provided, single submitter. Criteria: Invitae Variant Classification Sherloc (09022015). Collection method: clinical testing. Allele origin: germline.
Comment: This sequence change replaces isoleucine, which is neutral and non-polar, with threonine, which is neutral and polar, at codon 231 of the BCKDK protein (p.Ile231Thr). This variant is present in population databases (rs200689545, gnomAD 0.01%). This variant has not been reported in the literature in individuals affected with BCKDK-related conditions. ClinVar contains an entry for this variant (Variation ID: 198833). Invitae Evidence Modeling of protein sequence and biophysical properties (such as structural, functional, and spatial information, amino acid conservation, physicochemical variation, residue mobility, and thermodynamic stability) indicates that this missense variant is not expected to disrupt BCKDK protein function with a negative predictive value of 80%. In summary, the available evidence is currently insufficient to determine the role of this variant in disease. Therefore, it has been classified as a Variant of Uncertain Significance.

Eurofins Ntd Llc (ga)
Classification: Uncertain significance. Last evaluated: 2014-12-30. Review status: criteria provided, single submitter. Criteria: EGL Classification Definitions 2015. Collection method: clinical testing. Allele origin: germline.

NM_005881.4(BCKDK):c.692T>C (p.Ile231Thr)

Gene: BCKDK (branched chain keto acid dehydrogenase kinase; plus strand). Cytogenetic location: 16p11.2.
Variant type: single nucleotide variant.
Coding change: c.692T>C on transcript NM_005881.4 (MANE Select); coding-DNA position 692, T replaced by C.
Protein change: p.Ile231Thr; replaces isoleucine 231 with threonine.
Molecular consequence: missense variant.
Genome position (GRCh38, 1-based): chr16:31,110,737, T>C. VCF-style: chr16-31110737-T-C. GRCh37 (hg19) VCF-style: chr16-31122058-T-C.
Other names: c.692T>C, p.Ile231Thr (NM_001122957.4, NM_001271926.3); short protein forms I231T.
Identifiers: ClinVar variation 198833 (VCV000198833.10), dbSNP rs200689545, ClinGen allele CA247671.
Genomic context (GRCh38, chr16:31,110,737, plus strand): 5'-TCTCCGGCCAGCCTGACTTTGTCGGCATCATCTGTACTCGTCTCTCACCAAAGAAGATTA[T>C]TGAGAAGTGGGTGGACTTTGCCAGGTGAGGCAAGAATGGCTCAGGGGGTGGGCAGACATC-3'
Protein context (NP_005872.2, residues 221-241): ICTRLSPKKI[Ile231Thr]EKWVDFARRL